The following is an entry in ClinVar:

NM_000531.6(OTC):c.523G>A (p.Asp175Asn)

Gene: OTC (ornithine transcarbamylase; plus strand). Cytogenetic location: Xp11.4.
Variant type: single nucleotide variant.
Coding change: c.523G>A on transcript NM_000531.6 (MANE Select); coding-DNA position 523, G replaced by A.
Protein change: p.Asp175Asn; replaces aspartic acid 175 with asparagine.
Molecular consequence: missense variant.
Genome position (GRCh38, 1-based): chrX:38,401,411, G>A. VCF-style: chrX-38401411-G-A. GRCh37 (hg19) VCF-style: chrX-38260664-G-A.
Other names: short protein forms D175N.
Identifiers: ClinVar variation 942554 (VCV000942554.10), dbSNP rs2068486828, ClinGen allele CA412724002.
Genomic context (GRCh38, chrX:38,401,411, plus strand): 5'-GCATCCATCCCAATTATCAATGGGCTGTCAGATTTGTACCATCCTATCCAGATCCTGGCT[G>A]ATTACCTCACGCTCCAGGTTGGTTTATTTATTTGTCTTACAAAAGAGCAAAATCAAATAA-3'
Protein context (NP_000522.3, residues 165-185): DLYHPIQILA[Asp175Asn]YLTLQEHYSS

ClinVar aggregate classification (germline): Uncertain significance (1 of 4 stars; one submission).

Conditions:
Ornithine carbamoyltransferase deficiency (OTCD). Also called: Ornithine Carbamoyltransferase Deficiency Disease; ORNITHINE TRANSCARBAMYLASE DEFICIENCY, HYPERAMMONEMIA DUE TO; ORNITHINE TRANSCARBAMYLASE DEFICIENCY; OTC DEFICIENCY. Identifiers: Orphanet 664, MedGen C0268542, MONDO:0010703, OMIM 311250.

Submission:

Labcorp Genetics (formerly Invitae), Labcorp
Classification: Uncertain significance for Ornithine carbamoyltransferase deficiency. Last evaluated: 2020-10-10. Review status: criteria provided, single submitter. Criteria: Invitae Variant Classification Sherloc (09022015). Collection method: clinical testing. Allele origin: germline.
Comment: This sequence change replaces aspartic acid with asparagine at codon 175 of the OTC protein (p.Asp175Asn). The aspartic acid residue is highly conserved and there is a small physicochemical difference between aspartic acid and asparagine. This variant is not present in population databases (ExAC no frequency). In summary, the available evidence is currently insufficient to determine the role of this variant in disease. Therefore, it has been classified as a Variant of Uncertain Significance. This variant disrupts the p.Asp175 amino acid residue in OTC. Other variant(s) that disrupt this residue have been observed in individuals with OTC-related conditions (PMID: 9266388), which suggests that this may be a clinically significant amino acid residue. Algorithms developed to predict the effect of missense changes on protein structure and function are either unavailable or do not agree on the potential impact of this missense change (SIFT: "Deleterious"; PolyPhen-2: "Probably Damaging"; Align-GVGD: "Class C15"). This variant has been observed in individual(s) with ornithine transcarbamylase deficiency (Invitae). ClinVar contains an entry for this variant (Variation ID: 942554).

Literature cited by the submitters: PubMed 9266388.